The following is an entry in ClinVar:

ClinVar aggregate classification (germline): Benign/Likely benign. Review status: criteria provided, multiple submitters, no conflicts (2 of 4 stars). 8 submissions from 8 submitters: Benign (2); Likely benign (4). 2 of the submissions do not count toward it. Last evaluated 2026-01-06.

Conditions:
ATP7A-related disorder. Also called: ATP7A-related condition.
Menkes kinky-hair syndrome (MNK). Also called: Menkes Disease; Classic Menkes Disease; Copper transport disease. Identifiers: Orphanet 565, MedGen C0022716, MONDO:0010651, OMIM 309400.
X-linked distal spinal muscular atrophy type 3. Also called: NEURONOPATHY, DISTAL HEREDITARY MOTOR, X-LINKED; NEUROPATHY, DISTAL HEREDITARY MOTOR, X-LINKED; ATP7A-Related Distal Motor Neuropathy; SPINAL MUSCULAR ATROPHY, DISTAL, X-LINKED RECESSIVE. Identifiers: Orphanet 139557, MedGen C1845359, MONDO:0010338, OMIM 300489.
Cutis laxa, X-linked (OHS). Also called: EDS IX; Occipital horn syndrome. Identifiers: Orphanet 198, MedGen C0268353, MONDO:0010572, OMIM 304150.
Ehlers-Danlos syndrome (EDS). Identifiers: Orphanet 98249, MedGen C0013720, MONDO:0020066.

Allele frequency attached by ClinVar (database versions not stated): gnomAD exomes 0.00006 and 0.00015; ExAC 0.00014; gnomAD 0.00014; TOPMed 0.00015; ESP Exome Variant Server 0.00019.
gnomAD v4.1: 89 of 1,209,724 alleles (0.0074%); highest among the groups gnomAD compares: Admixed American, 0.0088%; no homozygotes.

Submissions (8):

Labcorp Genetics (formerly Invitae), Labcorp
Classification: Benign for X-linked distal spinal muscular atrophy type 3; Cutis laxa, X-linked; Menkes kinky-hair syndrome. Last evaluated: 2026-01-06. Review status: criteria provided, single submitter. Criteria: Invitae Variant Classification Sherloc (09022015). Collection method: clinical testing. Allele origin: germline.

CeGaT Center for Human Genetics Tuebingen
Classification: Likely benign. Last evaluated: 2026-01-01. Review status: criteria provided, single submitter. Criteria: CeGaT Center For Human Genetics Tuebingen Variant Classification Criteria Version 2. Collection method: clinical testing. Allele origin: germline. Affected: yes. Observed: 1 variant allele.
Comment: ATP7A: BP4, BP7, BS2

Blueprint Genetics
Classification: Likely benign. Last evaluated: 2022-03-24. Review status: criteria provided, single submitter. Criteria: ACMG Guidelines, 2015. Collection method: clinical testing. Allele origin: germline.

Genome Diagnostics Laboratory, The Hospital for Sick Children
Classification: Benign for Ehlers-Danlos syndrome. Last evaluated: 2020-09-25. Review status: criteria provided, single submitter. Criteria: ACMG Guidelines, 2015. Collection method: clinical testing. Allele origin: germline.

GeneDx
Classification: Likely benign. Last evaluated: 2020-08-19. Review status: criteria provided, single submitter. Criteria: GeneDx Variant Classification Process June 2021. Collection method: clinical testing. Allele origin: germline. Affected: yes.

Breakthrough Genomics
Classification: Likely benign. Review status: criteria provided, single submitter. Criteria: ACMG Guidelines, 2015. Collection method: not provided. Allele origin: germline. Inheritance: X-linked inheritance. Affected: yes.

PreventionGenetics, part of Exact Sciences
Classification: Likely benign for ATP7A-related condition. Last evaluated: 2023-05-16. Review status: no assertion criteria provided. Collection method: clinical testing. Allele origin: germline. Not counted in ClinVar's aggregate classification.
Comment: This variant is classified as likely benign based on ACMG/AMP sequence variant interpretation guidelines (Richards et al. 2015 PMID: 25741868, with internal and published modifications).

Natera, Inc.
Classification: Likely benign for Menkes kinky hair syndrome. Last evaluated: 2020-10-21. Review status: no assertion criteria provided. Collection method: clinical testing. Allele origin: germline. Not counted in ClinVar's aggregate classification.

NM_000052.7(ATP7A):c.312A>G (p.Gln104=)

Gene: ATP7A (ATPase copper transporting alpha; plus strand). Cytogenetic location: Xq21.1.
Variant type: single nucleotide variant.
Coding change: c.312A>G on transcript NM_000052.7 (MANE Select); coding-DNA position 312, A replaced by G.
Protein change: p.Gln104=; no amino-acid change (glutamine 104 retained).
Molecular consequence: synonymous variant.
Genome position (GRCh38, 1-based): chrX:77,988,433, A>G. VCF-style: chrX-77988433-A-G. GRCh37 (hg19) VCF-style: chrX-77243929-A-G.
Other names: c.312A>G, p.Gln104= (NM_001282224.2).
Identifiers: ClinVar variation 705205 (VCV000705205.26), dbSNP rs146414063, ClinGen allele CA10458906.